The following is an entry in ClinVar:

ClinVar aggregate classification (germline): Likely benign. Review status: criteria provided, multiple submitters, no conflicts (2 of 4 stars). 4 submissions from 4 submitters: Likely benign (3). 1 of the submissions does not count toward it. Last evaluated 2026-01-12.

Conditions:
SAMD9-related disorder. Also called: SAMD9-related condition.
Inborn genetic diseases. Identifiers: MedGen C0950123, MeSH D030342.

Allele frequency attached by ClinVar (database versions not stated): ExAC 0.00002; gnomAD exomes 0.00006; TOPMed 0.00018.

Submissions (4):

Labcorp Genetics (formerly Invitae), Labcorp
Classification: Likely benign. Last evaluated: 2026-01-12. Review status: criteria provided, single submitter. Criteria: Invitae Variant Classification Sherloc (09022015). Collection method: clinical testing. Allele origin: germline.

Ambry Genetics
Classification: Likely benign for Inborn genetic diseases. Last evaluated: 2024-11-23. Review status: criteria provided, single submitter. Criteria: Ambry Variant Classification Scheme 2023. Collection method: clinical testing. Allele origin: germline.

Blueprint Genetics
Classification: Likely benign. Last evaluated: 2024-10-11. Review status: criteria provided, single submitter. Criteria: ACMG Guidelines, 2015. Collection method: clinical testing. Allele origin: germline.

PreventionGenetics, part of Exact Sciences
Classification: Likely benign for SAMD9-related condition. Last evaluated: 2024-08-07. Review status: no assertion criteria provided. Collection method: clinical testing. Allele origin: germline. Not counted in ClinVar's aggregate classification.
Comment: This variant is classified as likely benign based on ACMG/AMP sequence variant interpretation guidelines (Richards et al. 2015 PMID: 25741868, with internal and published modifications).

NM_017654.4(SAMD9):c.3516T>C (p.Asp1172=)

Gene: SAMD9 (sterile alpha motif domain containing 9; minus strand). Cytogenetic location: 7q21.2.
Variant type: single nucleotide variant.
Coding change: c.3516T>C on transcript NM_017654.4 (MANE Select); coding-DNA position 3516, T replaced by C.
Protein change: p.Asp1172=; no amino-acid change (aspartic acid 1172 retained).
Molecular consequence: synonymous variant.
Genome position (GRCh38, 1-based): chr7:93,102,582, A>G on the plus strand (T>C on the coding strand, the complement: SAMD9 is on the minus strand). VCF-style: chr7-93102582-A-G. GRCh37 (hg19) VCF-style: chr7-92731895-A-G.
Other names: c.3516T>C (NM_017654.3); c.3516T>C, p.Asp1172= (NM_001193307.2).
Identifiers: ClinVar variation 1468122 (VCV001468122.11), dbSNP rs767945606, ClinGen allele CA4342688.
Genomic context (GRCh38, chr7:93,102,582, plus strand): 5'-GTAAGTATCATACCGCCTTTTTGACTTCGGATACAATCTTTCCTTCACTTCATACTCTCT[A>G]TCTTCACTTTGCTGTTGAGATTCTTTGAATGCACTTGAGGCATGTTCTGCTAAATCCAAA-3'
Protein context (NP_060124.2, residues 1162-1182): AFKESQQQSE[Asp1172=]REYEVKERLY